The following is an entry in ClinVar:

NM_000038.6(APC):c.6085_6093dup (p.2026_2028SLS[3])

Gene: APC (APC regulator of Wnt signaling pathway; plus strand). Cytogenetic location: 5q22.2.
Variant type: Duplication.
Coding change: c.6085_6093dup on transcript NM_000038.6 (MANE Select); coding-DNA positions 6085 to 6093, 9 bases duplicated (TCTCTTAGT; older notation c.6085_6093dupTCTCTTAGT).
Protein change: p.2026_2028SLS[3].
Molecular consequence: inframe insertion.
Genome position (GRCh38, 1-based): chr5:112,841,679-112,841,687, TCTCTTAGT duplicated; duplicating any 9 consecutive bases within chr5:112,841,676-112,841,687 gives the same sequence; the c. name uses the placement nearest the transcript's 3' end. VCF-style (leftmost placement, unchanged base first): chr5-112841675-C-CAGTTCTCTT. GRCh37 (hg19) VCF-style: chr5-112177372-C-CAGTTCTCTT.
Other names: c.6139_6147dup, p.2044_2046SLS[3] (NM_001354896.2); c.6115_6123dup, p.2036_2038SLS[3] (NM_001354897.2); c.6010_6018dup, p.2001_2003SLS[3] (NM_001354898.2); c.6001_6009dup, p.1998_2000SLS[3] (NM_001354899.2); c.5962_5970dup, p.1985_1987SLS[3] (NM_001354900.2); c.5908_5916dup, p.1967_1969SLS[3] (NM_001354901.2); c.5812_5820dup, p.1935_1937SLS[3] (NM_001354902.2); c.5782_5790dup, p.1925_1927SLS[3] (NM_001354903.2); and 5 more.
Identifiers: ClinVar variation 216849 (VCV000216849.17), dbSNP rs863224821, ClinGen allele CA337051.
Genomic context (GRCh38, chr5:112,841,675, plus strand): 5'-TGCTCCTAAATCATTTCATGTTGAAGATACCCCAGTTTGTTTCTCAAGAAACAGTTCTCT[C>CAGTTCTCTT]AGTTCTCTTAGTATTGACTCTGAAGATGACCTGTTGCAGGAATGTATAAGCTCCGCAATG-3'

ClinVar aggregate classification (germline): Uncertain significance. Review status: criteria provided, multiple submitters, no conflicts (2 of 4 stars). 4 submissions from 4 submitters: Uncertain significance (4). Last evaluated 2023-05-26.

Conditions:
Hereditary cancer-predisposing syndrome. Also called: Hereditary Cancer Syndrome; Hereditary neoplastic syndrome; Neoplastic Syndromes, Hereditary; Tumor predisposition. Identifiers: Orphanet 140162, MedGen C0027672, MeSH D009386, MONDO:0015356.
Familial adenomatous polyposis 1 (FAP1). Also called: FAMILIAL ADENOMATOUS POLYPOSIS 1, ATTENUATED; POLYPOSIS, ADENOMATOUS INTESTINAL. Identifiers: MedGen C2713442, MONDO:0021056, OMIM 175100. Disease mechanism: loss of function.

Submissions (4):

Baylor Genetics
Classification: Uncertain significance for Familial adenomatous polyposis 1. Last evaluated: 2023-05-26. Review status: criteria provided, single submitter. Criteria: ACMG Guidelines, 2015. Collection method: clinical testing. Allele origin: unknown.

Ambry Genetics
Classification: Uncertain significance for Hereditary cancer-predisposing syndrome. Last evaluated: 2022-12-13. Review status: criteria provided, single submitter. Criteria: Ambry Variant Classification Scheme 2023. Collection method: clinical testing. Allele origin: germline.
Comment: The c.6085_6093dupTCTCTTAGT variant (also known as p.S2029_S2031dup), located in coding exon 15 of the APC gene, results from an in-frame duplication of TCTCTTAGT at nucleotide positions 6085 to 6093. This results in the duplication of 3 extra residues (SLS) between codons 2029 and 2031. These amino acid positions are highly conserved in available vertebrate species. In addition, the in silico prediction for this alteration is inconclusive (Choi Y et al. PLoS ONE. 2012; 7(10):e46688). Since supporting evidence is limited at this time, the clinical significance of this alteration remains unclear.

Color Diagnostics, LLC DBA Color Health
Classification: Uncertain significance for Hereditary cancer-predisposing syndrome. Last evaluated: 2021-10-12. Review status: criteria provided, single submitter. Criteria: ACMG Guidelines, 2015. Collection method: clinical testing. Allele origin: germline.
Comment: This variant causes an in-frame duplication of three amino acids in the APC protein. To our knowledge, functional studies have not been reported for this variant. This variant has not been reported in individuals affected with hereditary cancer in the literature. This variant has not been identified in the general population by the Genome Aggregation Database (gnomAD). The available evidence is insufficient to determine the role of this variant in disease conclusively. Therefore, this variant is classified as a Variant of Uncertain Significance.

Labcorp Genetics (formerly Invitae), Labcorp
Classification: Uncertain significance for Familial adenomatous polyposis 1. Last evaluated: 2020-06-15. Review status: criteria provided, single submitter. Criteria: Invitae Variant Classification Sherloc (09022015). Collection method: clinical testing. Allele origin: germline.
Comment: In summary, this is a rare in-frame duplication with uncertain impact on protein function. It has been classified as a Variant of Uncertain Significance. Experimental studies and prediction algorithms are not available for this variant, and the functional significance of the duplicated amino acids is currently unknown. This variant is not present in population databases (ExAC no frequency) and has not been reported in the literature in individuals with a APC-related disease. ClinVar contains an entry for this variant (Variation ID: 216849). This sequence change inserts 9 nucleotides in exon 16 of the APC mRNA (c.6085_6093dup). This leads to the insertion of 3 amino acid residues in the APC protein (p.Ser2029_Ser2031dup), but otherwise preserves the integrity of the reading frame.